The following is an entry in ClinVar:

NM_017882.3(CLN6):c.57G>C (p.Gln19His)

Gene: CLN6 (CLN6 transmembrane ER protein; minus strand). Cytogenetic location: 15q23.
Variant type: single nucleotide variant.
Coding change: c.57G>C on transcript NM_017882.3 (MANE Select); coding-DNA position 57, G replaced by C.
Protein change: p.Gln19His; replaces glutamine 19 with histidine.
Molecular consequence: missense variant.
Genome position (GRCh38, 1-based): chr15:68,229,528, C>G on the plus strand (G>C on the coding strand, the complement: CLN6 is on the minus strand). VCF-style: chr15-68229528-C-G. GRCh37 (hg19) VCF-style: chr15-68521866-C-G.
Other names: c.57G>C (NM_017882.2); short protein forms Q19H.
Identifiers: ClinVar variation 1385441 (VCV001385441.4), dbSNP rs2093262571, ClinGen allele CA392978150.

ClinVar aggregate classification (germline): Uncertain significance. Review status: criteria provided, multiple submitters, no conflicts (2 of 4 stars). 2 submissions from 2 submitters: Uncertain significance (2). Last evaluated 2025-11-26.

Conditions:
Inborn genetic diseases. Identifiers: MedGen C0950123, MeSH D030342.
Neuronal ceroid lipofuscinosis. Also called: Neuronal Ceroid Lipofuscinoses. Identifiers: Orphanet 216, Orphanet 79263, MedGen C0027877, MONDO:0016295. Disease mechanism: loss of function.

Allele frequency attached by ClinVar (database versions not stated): gnomAD exomes below 0.00001; TOPMed below 0.00001.
gnomAD v4.1: 2 of 1,466,912 alleles (0.00014%); highest among the groups gnomAD compares: Non-Finnish European, 0.00018%; no homozygotes.

Submissions (2):

Ambry Genetics
Classification: Uncertain significance for Inborn genetic diseases. Last evaluated: 2025-11-26. Review status: criteria provided, single submitter. Criteria: Ambry Variant Classification Scheme 2023. Collection method: clinical testing. Allele origin: germline.

Labcorp Genetics (formerly Invitae), Labcorp
Classification: Uncertain significance for Neuronal ceroid lipofuscinosis. Last evaluated: 2022-08-31. Review status: criteria provided, single submitter. Criteria: Invitae Variant Classification Sherloc (09022015). Collection method: clinical testing. Allele origin: germline.
Comment: This sequence change replaces glutamine, which is neutral and polar, with histidine, which is basic and polar, at codon 19 of the CLN6 protein (p.Gln19His). This variant is not present in population databases (gnomAD no frequency). This variant has not been reported in the literature in individuals affected with CLN6-related conditions. ClinVar contains an entry for this variant (Variation ID: 1385441). Algorithms developed to predict the effect of missense changes on protein structure and function are either unavailable or do not agree on the potential impact of this missense change (SIFT: "Deleterious"; PolyPhen-2: "Benign"; Align-GVGD: "Class C0"). In summary, the available evidence is currently insufficient to determine the role of this variant in disease. Therefore, it has been classified as a Variant of Uncertain Significance.